The following is an entry in ClinVar:

NM_003001.5(SDHC):c.3G>A (p.Met1Ile)

Gene: SDHC (succinate dehydrogenase complex subunit C; plus strand). Cytogenetic location: 1q23.3.
Variant type: single nucleotide variant.
Coding change: c.3G>A on transcript NM_003001.5 (MANE Select); coding-DNA position 3, G replaced by A.
Protein change: p.Met1Ile; changes the start codon (methionine 1).
Molecular consequence: missense variant, initiator codon variant.
Genome position (GRCh38, 1-based): chr1:161,314,408, G>A. VCF-style: chr1-161314408-G-A. GRCh37 (hg19) VCF-style: chr1-161284198-G-A.
Other names: 958G-A; c.3G>A, p.Met1Ile (NM_001035511.3, NM_001035512.3, NM_001035513.3 and 6 more transcripts); c.-558G>A (NM_001407119.1); c.-227G>A (NM_001407120.1); short protein forms M1I.
Identifiers: ClinVar variation 7241 (VCV000007241.17), dbSNP rs587776652, ClinGen allele CA016312.

ClinVar aggregate classification (germline): Pathogenic. Review status: criteria provided, multiple submitters, no conflicts (2 of 4 stars). 4 submissions from 4 submitters: Pathogenic (3). 1 of the submissions does not count toward it. Last evaluated 2024-02-15.

Conditions:
Gastrointestinal stromal tumor. Also called: Gastrointestinal stromal tumor, somatic; Gastrointestinal stroma tumor. Identifiers: Orphanet 44890, MedGen C0238198, MeSH D046152, MONDO:0011719, OMIM 606764, HP:0100723.
Pheochromocytoma/paraganglioma syndrome 3. Also called: Paragangliomas 3; SDHC-Related Hereditary Paraganglioma-Pheochromocytoma Syndrome (Paragangliomas 3); SDHC-Related Hereditary Paraganglioma-Pheochromocytoma Syndrome; GLOMUS TUMORS, FAMILIAL, 3. Identifiers: Orphanet 29072, MedGen C1854336, MONDO:0011544, OMIM 605373.

Submissions (4):

Myriad Genetics, Inc.
Classification: Pathogenic for Pheochromocytoma/paraganglioma syndrome 3. Last evaluated: 2024-02-15. Review status: criteria provided, single submitter. Criteria: Myriad Autosomal Dominant, Autosomal Recessive and X-Linked Classification Criteria (2023). Collection method: clinical testing. Allele origin: unknown.
Comment: This variant is considered pathogenic. This variant is located within the gene translation start codon (p.Met1?) and is predicted to result in abnormal protein translation. This variant has been reported in multiple individuals with clinical features of gene-specific disease [PMID: 11062460, 22351710, 25720320, 30201732].

GeneDx
Classification: Pathogenic. Last evaluated: 2023-09-28. Review status: criteria provided, single submitter. Criteria: GeneDx Variant Classification Process June 2021. Collection method: clinical testing. Allele origin: germline. Affected: yes.
Comment: Initiation codon variant in a gene for which loss of function is a known mechanism of disease; Not observed at significant frequency in large population cohorts (gnomAD); This variant is associated with the following publications: (PMID: 28973655, 11062460, 22351710, 34703596, 32181896, 12658451, 11692162)

Labcorp Genetics (formerly Invitae), Labcorp
Classification: Pathogenic for Pheochromocytoma/paraganglioma syndrome 3; Gastrointestinal stromal tumor. Last evaluated: 2019-02-20. Review status: criteria provided, single submitter. Criteria: Invitae Variant Classification Sherloc (09022015). Collection method: clinical testing. Allele origin: germline.
Comment: For these reasons, this variant has been classified as Pathogenic. Experimental studies and prediction algorithms are not available for this variant, and the functional significance of the affected amino acid(s) is currently unknown. This variant has been observed to segregate with paraganglioma in two families (PMID: 11062460, 22351710). ClinVar contains an entry for this variant (Variation ID: 7241). This variant is not present in population databases (ExAC no frequency). This sequence change affects the initiator methionine of the SDHC mRNA. The next in-frame methionine is located at codon 38.

OMIM
Classification: Pathogenic for PHEOCHROMOCYTOMA/PARAGANGLIOMA SYNDROME 3. Last evaluated: 2003-07-01. Review status: no assertion criteria provided. Collection method: literature only. Allele origin: germline. Not counted in ClinVar's aggregate classification.

Literature cited by the submitters: PubMed 11062460 (cited by Myriad Genetics, Inc. and Labcorp Genetics (formerly Invitae), Labcorp); PubMed 22351710 (cited by Myriad Genetics, Inc. and Labcorp Genetics (formerly Invitae), Labcorp); PubMed 25720320 (cited by Myriad Genetics, Inc.); PubMed 30201732 (cited by Myriad Genetics, Inc.); PubMed 12658451 (cited by OMIM).